The following is an entry in ClinVar:

ClinVar aggregate classification (germline): Uncertain significance (1 of 4 stars; one submission).

Submission:

GeneDx
Classification: Uncertain significance. Last evaluated: 2022-08-31. Review status: criteria provided, single submitter. Criteria: GeneDx Variant Classification Process June 2021. Collection method: clinical testing. Allele origin: germline. Affected: yes.
Comment: In-frame deletion of 11 amino acids in a non-repeat region; In silico analysis supports that this variant does not alter protein structure/function; Has not been previously published as pathogenic or benign to our knowledge

NM_031407.7(HUWE1):c.10459_10491del (p.Thr3487_Ala3497del)

Gene: HUWE1 (HECT, UBA and WWE domain containing E3 ubiquitin protein ligase 1; minus strand). Cytogenetic location: Xp11.22.
Variant type: Deletion.
Coding change: c.10459_10491del on transcript NM_031407.7 (MANE Select); coding-DNA positions 10459 to 10491, 33 bases deleted.
Protein change: p.Thr3487_Ala3497del.
Molecular consequence: inframe deletion.
Genome position (GRCh38, 1-based): chrX:53,547,818-53,547,850, 33 bases deleted; deleting any 33 consecutive bases within chrX:53,547,818-53,547,864 gives the same sequence; the c. name uses the placement nearest the transcript's 3' end. GRCh37 (hg19): chrX:53,574,793-53,574,825.
Identifiers: ClinVar variation 1706175 (VCV001706175.2), dbSNP rs782173661, ClinGen allele CA10421536.